The following is an entry in ClinVar:

ClinVar aggregate classification (germline): Likely benign (0 of 4 stars; one submission).

Conditions:
ADCY6-related disorder. Also called: ADCY6-related condition.

Allele frequency attached by ClinVar (database versions not stated): gnomAD exomes below 0.00001.
gnomAD v4.1: 2 of 1,607,146 alleles (0.00012%); highest among the groups gnomAD compares: Non-Finnish European, 0.000085%; no homozygotes.

Submission:

PreventionGenetics, part of Exact Sciences
Classification: Likely benign for ADCY6-related condition. Last evaluated: 2019-07-15. Review status: no assertion criteria provided. Collection method: clinical testing. Allele origin: germline.
Comment: This variant is classified as likely benign based on ACMG/AMP sequence variant interpretation guidelines (Richards et al. 2015 PMID: 25741868, with internal and published modifications).

NM_015270.5(ADCY6):c.267G>T (p.Leu89=)

Gene: ADCY6 (adenylate cyclase 6; minus strand). Cytogenetic location: 12q13.12.
Variant type: single nucleotide variant.
Coding change: c.267G>T on transcript NM_015270.5 (MANE Select); coding-DNA position 267, G replaced by T.
Protein change: p.Leu89=; no amino-acid change (leucine 89 retained).
Molecular consequence: synonymous variant. On other transcripts: non-coding transcript variant (1).
Genome position (GRCh38, 1-based): chr12:48,783,168, C>A on the plus strand (G>T on the coding strand, the complement: ADCY6 is on the minus strand). VCF-style: chr12-48783168-C-A. GRCh37 (hg19) VCF-style: chr12-49176951-C-A.
Other names: c.267G>T, p.Leu89= (NM_001390830.1, NM_001390831.2, NM_001412819.1 and 3 more transcripts).
Identifiers: ClinVar variation 3050526 (VCV003050526.2), dbSNP rs938420123, ClinGen allele CA479701539.
Genomic context (GRCh38, chr12:48,783,168, plus strand): 5'-GTCGGGCGCCACCTCAGCCGTCCCGCCCGCTGTCGTTGTCACCTCGGTATCCTCGAAGCC[C>A]AGGGCCACTGCCCGCAGCCCCAGCTCCTTGCCCTTGCCTGGGCCGCCCCTCCGGATGAAG-3'
Protein context (NP_056085.1, residues 79-99): GKELGLRAVA[Leu89=]GFEDTEVTTT